The following is an entry in ClinVar:

NM_022356.4(P3H1):c.1402G>T (p.Gly468Cys)

Gene: P3H1 (prolyl 3-hydroxylase 1; minus strand). Cytogenetic location: 1p34.2.
Variant type: single nucleotide variant.
Coding change: c.1402G>T on transcript NM_022356.4 (MANE Select); coding-DNA position 1402, G replaced by T.
Protein change: p.Gly468Cys; replaces glycine 468 with cysteine.
Molecular consequence: missense variant.
Genome position (GRCh38, 1-based): chr1:42,752,608, C>A on the plus strand (G>T on the coding strand, the complement: P3H1 is on the minus strand). VCF-style: chr1-42752608-C-A. GRCh37 (hg19) VCF-style: chr1-43218279-C-A.
Other names: c.1402G>T, p.Gly468Cys (NM_001146289.2, NM_001243246.2); short protein forms G468C.
Identifiers: ClinVar variation 658303 (VCV000658303.5), dbSNP rs142844222, ClinGen allele CA801860.

ClinVar aggregate classification (germline): Uncertain significance. Review status: criteria provided, multiple submitters, no conflicts (2 of 4 stars). 2 submissions from 2 submitters: Uncertain significance (2). Last evaluated 2024-11-24.

Conditions:
Inborn genetic diseases. Identifiers: MedGen C0950123, MeSH D030342.
Osteogenesis imperfecta type 8 (OI8). Identifiers: MedGen C1970458, MONDO:0012581, OMIM 610915.

Allele frequency attached by ClinVar (database versions not stated): gnomAD exomes below 0.00001 and 0.00001; ExAC 0.00002; gnomAD 0.00006; TOPMed 0.00006; ESP Exome Variant Server 0.00015.
gnomAD v4.1: 11 of 1,614,078 alleles (0.00068%); highest among the groups gnomAD compares: African/African-American, 0.015%; no homozygotes.

Submissions (2):

Ambry Genetics
Classification: Uncertain significance for Inborn genetic diseases. Last evaluated: 2024-11-24. Review status: criteria provided, single submitter. Criteria: Ambry Variant Classification Scheme 2023. Collection method: clinical testing. Allele origin: germline.

Labcorp Genetics (formerly Invitae), Labcorp
Classification: Uncertain significance for Osteogenesis imperfecta type 8. Last evaluated: 2021-12-13. Review status: criteria provided, single submitter. Criteria: Invitae Variant Classification Sherloc (09022015). Collection method: clinical testing. Allele origin: germline.
Comment: This sequence change replaces glycine, which is neutral and non-polar, with cysteine, which is neutral and slightly polar, at codon 468 of the P3H1 protein (p.Gly468Cys). This variant is present in population databases (rs142844222, gnomAD 0.02%). This variant has not been reported in the literature in individuals affected with P3H1-related conditions. ClinVar contains an entry for this variant (Variation ID: 658303). Algorithms developed to predict the effect of missense changes on protein structure and function are either unavailable or do not agree on the potential impact of this missense change (SIFT: "Deleterious"; PolyPhen-2: "Probably Damaging"; Align-GVGD: "Class C0"). In summary, the available evidence is currently insufficient to determine the role of this variant in disease. Therefore, it has been classified as a Variant of Uncertain Significance.